The following is an entry in ClinVar:

ClinVar aggregate classification (germline): Likely benign. Review status: criteria provided, multiple submitters, no conflicts (2 of 4 stars). 2 submissions from 2 submitters: Likely benign (2). Last evaluated 2024-08-19.

Allele frequency attached by ClinVar (database versions not stated): gnomAD 0.00001; gnomAD exomes 0.00002 and 0.00004; TOPMed 0.00002; ExAC 0.00004; ESP Exome Variant Server 0.00008.
gnomAD v4.1: 26 of 1,613,836 alleles (0.0016%); highest among the groups gnomAD compares: Non-Finnish European, 0.002%; no homozygotes.

Submissions (2):

Blueprint Genetics
Classification: Likely benign. Last evaluated: 2024-08-19. Review status: criteria provided, single submitter. Criteria: ACMG Guidelines, 2015. Collection method: clinical testing. Allele origin: germline.

GeneDx
Classification: Likely benign. Last evaluated: 2018-02-27. Review status: criteria provided, single submitter. Criteria: GeneDx Variant Classification (06012015). Collection method: clinical testing. Allele origin: germline. Affected: yes.
Comment: This variant is considered likely benign or benign based on one or more of the following criteria: it is a conservative change, it occurs at a poorly conserved position in the protein, it is predicted to be benign by multiple in silico algorithms, and/or has population frequency not consistent with disease.

NM_001174150.2(ARL13B):c.510G>A (p.Gly170=)

Gene: ARL13B (ARF like GTPase 13B; plus strand). Cytogenetic location: 3q11.2.
Variant type: single nucleotide variant.
Coding change: c.510G>A on transcript NM_001174150.2 (MANE Select); coding-DNA position 510, G replaced by A.
Protein change: p.Gly170=; no amino-acid change (glycine 170 retained).
Molecular consequence: synonymous variant. On other transcripts: non-coding transcript variant (2).
Genome position (GRCh38, 1-based): chr3:94,036,575, G>A. VCF-style: chr3-94036575-G-A. GRCh37 (hg19) VCF-style: chr3-93755419-G-A.
Other names: c.201G>A, p.Gly67= (NM_001174151.2); c.465G>A, p.Gly155= (NM_001321328.2); c.189G>A, p.Gly63= (NM_144996.4); c.510G>A, p.Gly170= (NM_182896.3).
Identifiers: ClinVar variation 515713 (VCV000515713.2), dbSNP rs373238931, ClinGen allele CA2504090.